The following is an entry in ClinVar:

ClinVar aggregate classification (germline): Pathogenic (1 of 4 stars; one submission).

Conditions:
Developmental and epileptic encephalopathy, 11 (DEE11). Also called: Early infantile epileptic encephalopathy 11. Identifiers: Orphanet 1934, MedGen C3150987, MONDO:0013388, OMIM 613721.
Seizures, benign familial infantile, 3 (BFIS3). Also called: CONVULSIONS, BENIGN FAMILIAL INFANTILE, 3; Familial neonatal seizures. Identifiers: Orphanet 140927, Orphanet 306, MedGen C1843140, MONDO:0011904, OMIM 607745.

Submission:

Labcorp Genetics (formerly Invitae), Labcorp
Classification: Pathogenic for Seizures, benign familial infantile, 3; Developmental and epileptic encephalopathy, 11. Last evaluated: 2017-12-18. Review status: criteria provided, single submitter. Criteria: Invitae Variant Classification Sherloc (09022015). Collection method: clinical testing. Allele origin: germline.
Comment: This sequence change creates a premature translational stop signal (p.Lys511Asnfs*21) in the SCN2A gene. It is expected to result in an absent or disrupted protein product. This variant is not present in population databases (ExAC no frequency). This variant has not been reported in the literature in individuals with SCN2A-related disease. Loss-of-function variants in SCN2A are known to be pathogenic (PMID: 22495306, 23020937, 24650168). For these reasons, this variant has been classified as Pathogenic.

Literature cited by the submitters: PubMed 22495306; PubMed 23020937; PubMed 24650168.

NM_001040142.2(SCN2A):c.1533_1536del (p.Lys511fs)

Gene: SCN2A (sodium voltage-gated channel alpha subunit 2; plus strand). Cytogenetic location: 2q24.3.
Variant type: Microsatellite.
Coding change: c.1533_1536del on transcript NM_001040142.2 (MANE Select); coding-DNA positions 1533 to 1536, 4 bases deleted (AGAA; older notation c.1533_1536delAGAA).
Protein change: p.Lys511fs; shifts the reading frame from lysine 511.
Molecular consequence: frameshift variant.
Genome position (GRCh38, 1-based): chr2:165,315,620-165,315,623, AGAA deleted; deleting any 4 consecutive bases within chr2:165,315,616-165,315,623 gives the same sequence; the c. name uses the placement nearest the transcript's 3' end. VCF-style (leftmost placement, unchanged base first): chr2-165315615-CAGAA-C. GRCh37 (hg19) VCF-style: chr2-166172125-CAGAA-C.
Other names: c.1533_1536delAGAA (NM_021007.2); c.1533_1536del, p.Lys511fs (NM_001040143.2, NM_001371246.1, NM_001371247.1 and 1 more transcripts); short protein forms K511fs.
Identifiers: ClinVar variation 533483 (VCV000533483.7), dbSNP rs1553569662, ClinGen allele CA658795945.